The following is an entry in ClinVar:

ClinVar aggregate classification (germline): Uncertain significance. Review status: criteria provided, multiple submitters, no conflicts (2 of 4 stars). 2 submissions from 2 submitters: Uncertain significance (2). Last evaluated 2024-10-23.

Conditions:
Hereditary cancer-predisposing syndrome. Also called: Hereditary Cancer Syndrome; Hereditary neoplastic syndrome; Neoplastic Syndromes, Hereditary; Tumor predisposition. Identifiers: Orphanet 140162, MedGen C0027672, MeSH D009386, MONDO:0015356.

Submissions (2):

Ambry Genetics
Classification: Uncertain significance for Hereditary cancer-predisposing syndrome. Last evaluated: 2024-10-23. Review status: criteria provided, single submitter. Criteria: Ambry Variant Classification Scheme 2023. Collection method: clinical testing. Allele origin: germline.
Comment: The p.N859S variant (also known as c.2576A>G), located in coding exon 22 of the TSC2 gene, results from an A to G substitution at nucleotide position 2576. The asparagine at codon 859 is replaced by serine, an amino acid with highly similar properties. This amino acid position is conserved. In addition, the in silico prediction for this alteration is inconclusive. Based on the available evidence, the clinical significance of this variant remains unclear.

Sema4
Classification: Uncertain significance for Hereditary cancer-predisposing syndrome. Last evaluated: 2021-11-22. Review status: criteria provided, single submitter. Criteria: Sema4 Curation Guidelines. Collection method: curation. Allele origin: germline.
Comment: The TSC2 c.2576A>G (p.N859S) variant has not been reported in literature to our knowledge. This variant is not reported in the large and broad cohorts of the Genome Aggregation Database (PMID: 32461654). This variant has not been reported in ClinVar. In silico tools suggest the impact of the variant on protein function is deleterious, though these predictions have not been confirmed by functional studies. The overall evidence is insufficient to meet ACMG/AMP criteria for classifying it as benign or pathogenic. In summary, the clinical significance of this variant is currently uncertain.

NM_000548.5(TSC2):c.2576A>G (p.Asn859Ser)

Gene: TSC2 (TSC complex subunit 2; plus strand). Cytogenetic location: 16p13.3.
Variant type: single nucleotide variant.
Coding change: c.2576A>G on transcript NM_000548.5 (MANE Select); coding-DNA position 2576, A replaced by G.
Protein change: p.Asn859Ser; replaces asparagine 859 with serine.
Molecular consequence: missense variant.
Genome position (GRCh38, 1-based): chr16:2,075,829, A>G. VCF-style: chr16-2075829-A-G. GRCh37 (hg19) VCF-style: chr16-2125830-A-G.
Other names: c.2576A>G, p.Asn859Ser (NM_001077183.3, NM_001114382.3, NM_001363528.2 and 3 more transcripts); c.2465A>G, p.Asn822Ser (NM_001318827.2); c.2429A>G, p.Asn810Ser (NM_001318829.2); c.1976A>G, p.Asn659Ser (NM_001318831.2); c.2609A>G, p.Asn870Ser (NM_001318832.2); short protein forms N659S, N810S, N822S, N859S, N870S.
Identifiers: ClinVar variation 1692490 (VCV001692490.2), dbSNP rs878854085, ClinGen allele CA394278361.